The following is an entry in ClinVar:

NM_016222.4(DDX41):c.1303-6G>A

Gene: DDX41 (DEAD-box helicase 41; minus strand). Cytogenetic location: 5q35.3.
Variant type: single nucleotide variant.
Coding change: c.1303-6G>A on transcript NM_016222.4 (MANE Select); 6 bases into the intron before coding-DNA position 1303, G replaced by A.
Molecular consequence: intron variant.
Genome position (GRCh38, 1-based): chr5:177,512,882, C>T on the plus strand (G>A on the coding strand, the complement: DDX41 is on the minus strand). VCF-style: chr5-177512882-C-T. GRCh37 (hg19) VCF-style: chr5-176939883-C-T.
Other names: c.925-6G>A (NM_001321830.2, NM_001321732.2); c.1303-6G>A (NM_016222.2).
Identifiers: ClinVar variation 2446635 (VCV002446635.4), dbSNP rs764631159, ClinGen allele CA3584797.

ClinVar aggregate classification (germline): Uncertain significance. Review status: criteria provided, multiple submitters, no conflicts (2 of 4 stars). 4 submissions from 4 submitters: Uncertain significance (4). Last evaluated 2025-08-29.

Conditions:
DDX41-related hematologic malignancy predisposition syndrome. Also called: Myeloproliferative/lymphoproliferative neoplasms, familial (multiple types), susceptibility to; DDX41-Associated Familial Myelodysplastic Syndrome and Acute Myeloid Leukemia. Identifiers: Orphanet 488647, MedGen C4225174, MONDO:0014809, OMIM 616871.

Allele frequency attached by ClinVar (database versions not stated): gnomAD 0.00001; ExAC 0.00002; gnomAD exomes 0.00004; TOPMed 0.00004.
gnomAD v4.1: 59 of 1,613,476 alleles (0.0037%); highest among the groups gnomAD compares: Non-Finnish European, 0.0047%; no homozygotes.

Submissions (4):

Labcorp Genetics (formerly Invitae), Labcorp
Classification: Uncertain significance. Last evaluated: 2025-08-29. Review status: criteria provided, single submitter. Criteria: Invitae Variant Classification Sherloc (09022015). Collection method: clinical testing. Allele origin: germline.
Comment: This sequence change falls in intron 12 of the DDX41 gene. It does not directly change the encoded amino acid sequence of the DDX41 protein. This variant is present in population databases (rs764631159, gnomAD 0.006%). This variant has not been reported in the literature in individuals affected with DDX41-related conditions. ClinVar contains an entry for this variant (Variation ID: 2446635). Algorithms developed to predict the effect of sequence changes on RNA splicing suggest that this variant may disrupt the consensus splice site. In summary, the available evidence is currently insufficient to determine the role of this variant in disease. Therefore, it has been classified as a Variant of Uncertain Significance.

Blueprint Genetics
Classification: Uncertain significance. Last evaluated: 2024-10-10. Review status: criteria provided, single submitter. Criteria: ACMG Guidelines, 2015. Collection method: clinical testing. Allele origin: germline.

Molecular Pathology, Peter Maccallum Cancer Centre
Classification: Uncertain significance for DDX41-related hematologic malignancy predisposition syndrome. Last evaluated: 2024-08-02. Review status: criteria provided, single submitter. Criteria: ACMG Guidelines, 2015. Collection method: clinical testing. Allele origin: germline.

GeneDx
Classification: Uncertain significance. Last evaluated: 2022-09-28. Review status: criteria provided, single submitter. Criteria: GeneDx Variant Classification Process June 2021. Collection method: clinical testing. Allele origin: germline. Affected: yes.
Comment: In silico analysis supports a deleterious effect on splicing; Has not been previously published as pathogenic or benign to our knowledge